The following is an entry in ClinVar:

ClinVar aggregate classification (germline): Likely pathogenic (1 of 4 stars; one submission).

Conditions:
Autosomal recessive limb-girdle muscular dystrophy. Identifiers: Orphanet 102015, MedGen C2931907, MONDO:0015152.

Submission:

Myriad Genetics, Inc.
Classification: Likely pathogenic for Autosomal recessive limb-girdle muscular dystrophy. Last evaluated: 2021-12-17. Review status: criteria provided, single submitter. Criteria: Myriad Autosomal Dominant, Autosomal Recessive and X-Linked Classification Criteria (2023). Collection method: clinical testing. Allele origin: unknown.
Comment: NM_003494.3(DYSF):c.4293_4294insTTGA(P1432Lfs*31) is expected to be pathogenic in the context of dysferlinopathy. This variant is predicted to lead to an abnormal or absent protein product due to the creation of a premature termination codon in DYSF, a gene where loss-of-function variants are known to be pathogenic. Please note: this variant was assessed in the context of healthy population screening.

NM_001130987.2(DYSF):c.4347_4348insTTGA (p.Pro1450fs)

Gene: DYSF (dysferlin; plus strand). Cytogenetic location: 2p13.2.
Variant type: Insertion.
Coding change: c.4347_4348insTTGA on transcript NM_001130987.2 (MANE Select); coding-DNA positions 4347 to 4348, TTGA inserted.
Protein change: p.Pro1450fs; shifts the reading frame from proline 1450.
Molecular consequence: frameshift variant.
Genome position: GRCh38 VCF-style: chr2-71612766-C-CTTGA. GRCh37 (hg19) VCF-style: chr2-71839896-C-CTTGA.
Other names: c.4296_4297insTTGA, p.Pro1433fs (NM_001130455.2, NM_001130983.2); c.4251_4252insTTGA, p.Pro1418fs (NM_001130976.2, NM_001130977.2); c.4293_4294insTTGA, p.Pro1432fs (NM_001130978.2, NM_003494.4); c.4386_4387insTTGA, p.Pro1463fs (NM_001130979.2); c.4344_4345insTTGA, p.Pro1449fs (NM_001130980.2, NM_001130981.2); c.4389_4390insTTGA, p.Pro1464fs (NM_001130982.2); c.4254_4255insTTGA, p.Pro1419fs (NM_001130984.2, NM_001130986.2); c.4347_4348insTTGA, p.Pro1450fs (NM_001130985.2); short protein forms P1418fs, P1419fs, P1432fs, P1433fs, P1449fs, P1450fs, P1463fs, P1464fs.
Identifiers: ClinVar variation 1726447 (VCV001726447.3), dbSNP rs2546143826, ClinGen allele CA2580067804.